The following is an entry in ClinVar:

ClinVar aggregate classification (germline): Likely pathogenic (1 of 4 stars; one submission).

Conditions:
Multiple congenital anomalies-hypotonia-seizures syndrome 1 (MCAHS1). Also called: PIGN-CDG; Congenital disorder of glycosylation due to PIGN deficiency; GLYCOSYLPHOSPHATIDYLINOSITOL BIOSYNTHESIS DEFECT 3. Identifiers: Orphanet 280633, MedGen C3279775, MONDO:0013563, OMIM 614080.

Submission:

Juno Genomics, Hangzhou Juno Genomics, Inc
Classification: Likely pathogenic for Multiple congenital anomalies-hypotonia-seizures syndrome 1. Review status: criteria provided, single submitter. Criteria: ACMG Guidelines, 2015. Collection method: clinical testing. Allele origin: germline.
Comment: Null variant in a gene where loss of function (LOF) is a known mechanism of disease.;Absent from controls (or at extremely low frequency if recessive) in Genome Aggregation Database.

NM_176787.5(PIGN):c.620dup (p.His209fs)

Gene: PIGN (phosphatidylinositol glycan anchor biosynthesis class N; minus strand). Cytogenetic location: 18q21.33.
Variant type: Duplication.
Coding change: c.620dup on transcript NM_176787.5 (MANE Select); coding-DNA position 620, one base duplicated (T; older notation c.620dupT).
Protein change: p.His209fs; shifts the reading frame from histidine 209.
Molecular consequence: frameshift variant.
Genome position (GRCh38, 1-based): chr18:62,148,268, A duplicated on the plus strand (T on the coding strand, the reverse complement: PIGN is on the minus strand); the first of 7 consecutive A bases (chr18:62,148,268-62,148,274); duplicating any one gives the same sequence. VCF-style (leftmost placement, unchanged base first): chr18-62148267-G-GA. GRCh37 (hg19) VCF-style: chr18-59815500-G-GA.
Other names: c.620dup, p.His209fs (NM_001438896.1, NM_001438904.1, NM_001438905.1 and 2 more transcripts); short protein forms H209fs.
Identifiers: ClinVar variation 5005900 (VCV005005900.2).